The following is an entry in ClinVar:

ClinVar aggregate classification (germline): Uncertain significance (1 of 4 stars; one submission).

Conditions:
Cardiovascular phenotype. Identifiers: MedGen CN230736.

gnomAD v4.1: 3 of 1,614,212 alleles (0.00019%); highest among the groups gnomAD compares: Non-Finnish European, 0.00017%; no homozygotes.

Submission:

Ambry Genetics
Classification: Uncertain significance for Cardiovascular phenotype. Last evaluated: 2025-06-23. Review status: criteria provided, single submitter. Criteria: Ambry Variant Classification Scheme 2023. Collection method: clinical testing. Allele origin: germline.
Comment: The p.T825I variant (also known as c.2474C>T), located in coding exon 20 of the ACTN2 gene, results from a C to T substitution at nucleotide position 2474. The threonine at codon 825 is replaced by isoleucine, an amino acid with similar properties. This amino acid position is conserved. In addition, this alteration is predicted to be tolerated by in silico analysis. Based on the available evidence, the clinical significance of this variant remains unclear.

NM_001103.4(ACTN2):c.2474C>T (p.Thr825Ile)

Gene: ACTN2 (actinin alpha 2; plus strand). Cytogenetic location: 1q43.
Variant type: single nucleotide variant.
Coding change: c.2474C>T on transcript NM_001103.4 (MANE Select); coding-DNA position 2474, C replaced by T.
Protein change: p.Thr825Ile; replaces threonine 825 with isoleucine.
Molecular consequence: missense variant. On other transcripts: non-coding transcript variant (1).
Genome position (GRCh38, 1-based): chr1:236,761,121, C>T. VCF-style: chr1-236761121-C-T. GRCh37 (hg19) VCF-style: chr1-236924421-C-T.
Other names: c.2474C>T, p.Thr825Ile (NM_001278343.2); short protein forms T825I.
Identifiers: ClinVar variation 4221862 (VCV004221862.1).